The following is an entry in ClinVar:

ClinVar aggregate classification (germline): Uncertain significance. Review status: criteria provided, multiple submitters, no conflicts (2 of 4 stars). 2 submissions from 2 submitters: Uncertain significance (2). Last evaluated 2024-09-22.

Conditions:
Werner syndrome (WRN). Identifiers: Orphanet 902, MedGen C0043119, MONDO:0010196, OMIM 277700.

Allele frequency attached by ClinVar (database versions not stated): gnomAD exomes 0.00001 and 0.00003; ExAC 0.00002.
gnomAD v4.1: 14 of 1,613,090 alleles (0.00087%); highest among the groups gnomAD compares: South Asian, 0.014%; no homozygotes.

Submissions (2):

Labcorp Genetics (formerly Invitae), Labcorp
Classification: Uncertain significance for Werner syndrome. Last evaluated: 2024-09-22. Review status: criteria provided, single submitter. Criteria: Invitae Variant Classification Sherloc (09022015). Collection method: clinical testing. Allele origin: germline.
Comment: This sequence change replaces methionine, which is neutral and non-polar, with valine, which is neutral and non-polar, at codon 611 of the WRN protein (p.Met611Val). This variant is present in population databases (rs762866297, gnomAD 0.02%). This variant has not been reported in the literature in individuals affected with WRN-related conditions. ClinVar contains an entry for this variant (Variation ID: 362802). An algorithm developed to predict the effect of missense changes on protein structure and function outputs the following: PolyPhen-2: "Benign". The valine amino acid residue is found in multiple mammalian species, which suggests that this missense change does not adversely affect protein function. In summary, the available evidence is currently insufficient to determine the role of this variant in disease. Therefore, it has been classified as a Variant of Uncertain Significance.

Illumina Laboratory Services, Illumina
Classification: Uncertain significance for Werner syndrome. Last evaluated: 2018-01-13. Review status: criteria provided, single submitter. Criteria: ICSL Variant Classification Criteria 13 December 2019. Collection method: clinical testing. Allele origin: germline.

NM_000553.6(WRN):c.1831A>G (p.Met611Val)

Gene: WRN (WRN RecQ like helicase; plus strand). Cytogenetic location: 8p12.
Variant type: single nucleotide variant.
Coding change: c.1831A>G on transcript NM_000553.6 (MANE Select); coding-DNA position 1831, A replaced by G.
Protein change: p.Met611Val; replaces methionine 611 with valine.
Molecular consequence: missense variant.
Genome position (GRCh38, 1-based): chr8:31,091,831, A>G. VCF-style: chr8-31091831-A-G. GRCh37 (hg19) VCF-style: chr8-30949347-A-G.
Other names: short protein forms M611V.
Identifiers: ClinVar variation 362802 (VCV000362802.11), dbSNP rs762866297, ClinGen allele CA4704511.
Genomic context (GRCh38, chr8:31,091,831, plus strand): 5'-GTGAAATTGATATGTGTAATGTGTACATGGTGCCAGAATATTTGTTTTTCTTCTTATAGA[A>G]TGTCCAACATCCCAGCTTGCTTCCTTGGATCAGCACAGTCAGAAAATGTTCTAACAGATA-3'
Protein context (NP_000544.2, residues 601-621): LMEDQVLQLK[Met611Val]SNIPACFLGS